The following is an entry in ClinVar:

ClinVar aggregate classification (germline): Uncertain significance (1 of 4 stars; one submission).

Allele frequency attached by ClinVar (database versions not stated): ExAC 0.00001.

Submission:

Labcorp Genetics (formerly Invitae), Labcorp
Classification: Uncertain significance. Last evaluated: 2023-03-18. Review status: criteria provided, single submitter. Criteria: Invitae Variant Classification Sherloc (09022015). Collection method: clinical testing. Allele origin: germline.
Comment: Advanced modeling of protein sequence and biophysical properties (such as structural, functional, and spatial information, amino acid conservation, physicochemical variation, residue mobility, and thermodynamic stability) performed at Invitae indicates that this missense variant is not expected to disrupt CLTC protein function. In summary, the available evidence is currently insufficient to determine the role of this variant in disease. Therefore, it has been classified as a Variant of Uncertain Significance. This variant has not been reported in the literature in individuals affected with CLTC-related conditions. This sequence change replaces aspartic acid, which is acidic and polar, with glutamic acid, which is acidic and polar, at codon 1489 of the CLTC protein (p.Asp1489Glu). This variant is present in population databases (rs769876213, gnomAD 0.0009%).

NM_004859.4(CLTC):c.4455T>G (p.Asp1485Glu)

Genes: CLTC (clathrin heavy chain; plus strand), LOC125177523 (Sharpr-MPRA regulatory region 12460; plus strand). Cytogenetic location: 17q23.1.
Variant type: single nucleotide variant.
Coding change: c.4455T>G on transcript NM_004859.4 (MANE Select); coding-DNA position 4455, T replaced by G.
Protein change: p.Asp1485Glu; replaces aspartic acid 1485 with glutamic acid.
Molecular consequence: missense variant.
Genome position (GRCh38, 1-based): chr17:59,685,076, T>G. VCF-style: chr17-59685076-T-G. GRCh37 (hg19) VCF-style: chr17-57762437-T-G.
Other names: c.4467T>G, p.Asp1489Glu (NM_001288653.2); short protein forms D1485E, D1489E.
Identifiers: ClinVar variation 2801889 (VCV002801889.3), dbSNP rs769876213, ClinGen allele CA8681749.